The following is an entry in ClinVar:

NM_000380.4(XPA):c.487A>T (p.Lys163Ter)

Gene: XPA (XPA, DNA damage recognition and repair factor; minus strand). Cytogenetic location: 9q22.33.
Variant type: single nucleotide variant.
Coding change: c.487A>T on transcript NM_000380.4 (MANE Select); coding-DNA position 487, A replaced by T.
Protein change: p.Lys163Ter; replaces lysine 163 with a stop codon.
Molecular consequence: nonsense. On other transcripts: non-coding transcript variant (4).
Genome position (GRCh38, 1-based): chr9:97,687,164, T>A on the plus strand (A>T on the coding strand, the complement: XPA is on the minus strand). VCF-style: chr9-97687164-T-A. GRCh37 (hg19) VCF-style: chr9-100449446-T-A.
Other names: c.361A>T, p.Lys121Ter (NM_001354975.2); short protein forms K163*, K121*.
Identifiers: ClinVar variation 3688574 (VCV003688574.2).

ClinVar aggregate classification (germline): Pathogenic (1 of 4 stars; one submission).

Submission:

Labcorp Genetics (formerly Invitae), Labcorp
Classification: Pathogenic. Last evaluated: 2024-02-18. Review status: criteria provided, single submitter. Criteria: Invitae Variant Classification Sherloc (09022015). Collection method: clinical testing. Allele origin: germline.
Comment: This sequence change creates a premature translational stop signal (p.Lys163*) in the XPA gene. It is expected to result in an absent or disrupted protein product. Loss-of-function variants in XPA are known to be pathogenic (PMID: 27607234). This variant is not present in population databases (gnomAD no frequency). This variant has not been reported in the literature in individuals affected with XPA-related conditions. Algorithms developed to predict the effect of sequence changes on RNA splicing suggest that this variant may disrupt the consensus splice site. For these reasons, this variant has been classified as Pathogenic.

Literature cited by the submitters: PubMed 27607234.